The following is an entry in ClinVar:

ClinVar aggregate classification (germline): Benign. Review status: criteria provided, single submitter (1 of 4 stars). 2 submissions from 2 submitters: Benign (1). 1 of the submissions does not count toward it. Last evaluated 2022-03-24.

Conditions:
INPP5K-related disorder. Also called: INPP5K-related condition.

Allele frequency attached by ClinVar (database versions not stated): 1000 Genomes Project 0.10323; 1000 Genomes Project 30x 0.10337; ExAC 0.11151; gnomAD 0.12043; TOPMed 0.12329; ESP Exome Variant Server 0.13204.
gnomAD v4.1: 192,803 of 1,610,100 alleles (12%); highest among the groups gnomAD compares: Middle Eastern, 15%; 12,018 homozygotes.

Submissions (23):

Mayo Clinic Laboratories, Mayo Clinic
Classification: Benign. Last evaluated: 2022-03-24. Review status: criteria provided, single submitter. Criteria: ACMG Guidelines, 2015. Collection method: clinical testing. Allele origin: germline. Observed: 100 variant alleles.

PreventionGenetics, part of Exact Sciences
Classification: Benign for INPP5K-related condition. Last evaluated: 2019-10-25. Review status: no assertion criteria provided. Collection method: clinical testing. Allele origin: germline. Not counted in ClinVar's aggregate classification.
Comment: This variant is classified as benign based on ACMG/AMP sequence variant interpretation guidelines (Richards et al. 2015 PMID: 25741868, with internal and published modifications).

Dr. Peter K. Rogan Lab, Western University
No classification provided (evidence only). Condition: Familial cancer of breast. Review status: no classification provided. Collection method: in vitro. Allele origin: not applicable. Functional consequence: retained intron. Not counted in ClinVar's aggregate classification.

Dr. Peter K. Rogan Lab, Western University
No classification provided (evidence only). Condition: Malignant lymphoma, large B-cell, diffuse. Review status: no classification provided. Collection method: in vitro. Allele origin: not applicable. Functional consequence: retained intron. Not counted in ClinVar's aggregate classification.

Dr. Peter K. Rogan Lab, Western University
No classification provided (evidence only). Condition: Malignant lymphoma, large B-cell, diffuse. Review status: no classification provided. Collection method: in vitro. Allele origin: not applicable. Functional consequence: retained intron. Not counted in ClinVar's aggregate classification.

Dr. Peter K. Rogan Lab, Western University
No classification provided (evidence only). Condition: Malignant lymphoma, large B-cell, diffuse. Review status: no classification provided. Collection method: in vitro. Allele origin: not applicable. Functional consequence: retained intron. Not counted in ClinVar's aggregate classification.

Dr. Peter K. Rogan Lab, Western University
No classification provided (evidence only). Condition: Malignant lymphoma, large B-cell, diffuse. Review status: no classification provided. Collection method: in vitro. Allele origin: not applicable. Functional consequence: retained intron. Not counted in ClinVar's aggregate classification.

Dr. Peter K. Rogan Lab, Western University
No classification provided (evidence only). Condition: Malignant lymphoma, large B-cell, diffuse. Review status: no classification provided. Collection method: in vitro. Allele origin: not applicable. Functional consequence: retained intron. Not counted in ClinVar's aggregate classification.

Dr. Peter K. Rogan Lab, Western University
No classification provided (evidence only). Condition: Malignant lymphoma, large B-cell, diffuse. Review status: no classification provided. Collection method: in vitro. Allele origin: not applicable. Functional consequence: skipped exon, retained intron. Not counted in ClinVar's aggregate classification.

Dr. Peter K. Rogan Lab, Western University
No classification provided (evidence only). Condition: Uterine carcinosarcoma. Review status: no classification provided. Collection method: in vitro. Allele origin: not applicable. Functional consequence: retained intron. Not counted in ClinVar's aggregate classification.

Dr. Peter K. Rogan Lab, Western University
No classification provided (evidence only). Condition: Uterine carcinosarcoma. Review status: no classification provided. Collection method: in vitro. Allele origin: not applicable. Functional consequence: retained intron. Not counted in ClinVar's aggregate classification.

Dr. Peter K. Rogan Lab, Western University
No classification provided (evidence only). Condition: Uterine carcinosarcoma. Review status: no classification provided. Collection method: in vitro. Allele origin: not applicable. Functional consequence: retained intron. Not counted in ClinVar's aggregate classification.

Dr. Peter K. Rogan Lab, Western University
No classification provided (evidence only). Condition: Uterine carcinosarcoma. Review status: no classification provided. Collection method: in vitro. Allele origin: not applicable. Functional consequence: retained intron. Not counted in ClinVar's aggregate classification.

Dr. Peter K. Rogan Lab, Western University
No classification provided (evidence only). Condition: Uterine carcinosarcoma. Review status: no classification provided. Collection method: in vitro. Allele origin: not applicable. Functional consequence: retained intron. Not counted in ClinVar's aggregate classification.

Dr. Peter K. Rogan Lab, Western University
No classification provided (evidence only). Condition: Uterine carcinosarcoma. Review status: no classification provided. Collection method: in vitro. Allele origin: not applicable. Functional consequence: retained intron. Not counted in ClinVar's aggregate classification.

Dr. Peter K. Rogan Lab, Western University
No classification provided (evidence only). Condition: Uveal melanoma. Review status: no classification provided. Collection method: in vitro. Allele origin: not applicable. Functional consequence: retained intron. Not counted in ClinVar's aggregate classification.

Dr. Peter K. Rogan Lab, Western University
No classification provided (evidence only). Condition: Uveal melanoma. Review status: no classification provided. Collection method: in vitro. Allele origin: not applicable. Functional consequence: retained intron. Not counted in ClinVar's aggregate classification.

Dr. Peter K. Rogan Lab, Western University
No classification provided (evidence only). Condition: Uveal melanoma. Review status: no classification provided. Collection method: in vitro. Allele origin: not applicable. Functional consequence: retained intron. Not counted in ClinVar's aggregate classification.

Dr. Peter K. Rogan Lab, Western University
No classification provided (evidence only). Condition: Uveal melanoma. Review status: no classification provided. Collection method: in vitro. Allele origin: not applicable. Functional consequence: retained intron. Not counted in ClinVar's aggregate classification.

Dr. Peter K. Rogan Lab, Western University
No classification provided (evidence only). Condition: Uveal melanoma. Review status: no classification provided. Collection method: in vitro. Allele origin: not applicable. Functional consequence: retained intron. Not counted in ClinVar's aggregate classification.

Dr. Peter K. Rogan Lab, Western University
No classification provided (evidence only). Condition: Uveal melanoma. Review status: no classification provided. Collection method: in vitro. Allele origin: not applicable. Functional consequence: retained intron. Not counted in ClinVar's aggregate classification.

Dr. Peter K. Rogan Lab, Western University
No classification provided (evidence only). Condition: Uveal melanoma. Review status: no classification provided. Collection method: in vitro. Allele origin: not applicable. Functional consequence: retained intron. Not counted in ClinVar's aggregate classification.

Dr. Peter K. Rogan Lab, Western University
No classification provided (evidence only). Condition: Uveal melanoma. Review status: no classification provided. Collection method: in vitro. Allele origin: not applicable. Functional consequence: skipped exon. Not counted in ClinVar's aggregate classification.

NM_016532.4(INPP5K):c.667-10T>G

Gene: INPP5K (inositol polyphosphate-5-phosphatase K; minus strand). Cytogenetic location: 17p13.3.
Variant type: single nucleotide variant.
Coding change: c.667-10T>G on transcript NM_016532.4 (MANE Select); 10 bases into the intron before coding-DNA position 667, T replaced by G.
Molecular consequence: intron variant.
Genome position (GRCh38, 1-based): chr17:1,507,099, A>C on the plus strand (T>G on the coding strand, the complement: INPP5K is on the minus strand). VCF-style: chr17-1507099-A-C. GRCh37 (hg19) VCF-style: chr17-1410393-A-C.
Other names: NC_000017.10:g.1410393A>C; p.?; c.439-10T>G (NM_130766.3, NM_001135642.2).
Identifiers: ClinVar variation 3055915 (VCV003055915.4), dbSNP rs34308535, ClinGen allele CA8268511.
Genomic context (GRCh38, chr17:1,507,099, plus strand): 5'-GCCCTCCTGGAACTCCCGGAGCAGCGGGTCATGTTTCTTGGCAATGCTGAGCTGCAGACA[A>C]AGTCATAGTCCCCGTCTCCCAGTAGTCTCGACCCAGTGGCCCAGTACCACACTCCATTCA-3'